The following is an entry in ClinVar:

NM_000032.5(ALAS2):c.1602G>T (p.Glu534Asp)

Gene: ALAS2 (5'-aminolevulinate synthase 2; minus strand). Cytogenetic location: Xp11.21.
Variant type: single nucleotide variant.
Coding change: c.1602G>T on transcript NM_000032.5 (MANE Select); coding-DNA position 1602, G replaced by T.
Protein change: p.Glu534Asp; replaces glutamic acid 534 with aspartic acid.
Molecular consequence: missense variant.
Genome position (GRCh38, 1-based): chrX:55,009,342, C>A on the plus strand (G>T on the coding strand, the complement: ALAS2 is on the minus strand). VCF-style: chrX-55009342-C-A. GRCh37 (hg19) VCF-style: chrX-55035775-C-A.
Other names: c.1491G>T, p.Glu497Asp (NM_001037967.4); c.1563G>T, p.Glu521Asp (NM_001037968.4); short protein forms E534D, E521D, E497D.
Identifiers: ClinVar variation 4747500 (VCV004747500.1).

ClinVar aggregate classification (germline): Uncertain significance (1 of 4 stars; one submission).

Submission:

Labcorp Genetics (formerly Invitae), Labcorp
Classification: Uncertain significance. Last evaluated: 2025-11-28. Review status: criteria provided, single submitter. Criteria: Invitae Variant Classification Sherloc (09022015). Collection method: clinical testing. Allele origin: germline.
Comment: This sequence change replaces glutamic acid, which is acidic and polar, with aspartic acid, which is acidic and polar, at codon 534 of the ALAS2 protein (p.Glu534Asp). This variant is not present in population databases (gnomAD no frequency). This variant has not been reported in the literature in individuals affected with ALAS2-related conditions. Invitae Evidence Modeling of protein sequence and biophysical properties (such as structural, functional, and spatial information, amino acid conservation, physicochemical variation, residue mobility, and thermodynamic stability) indicates that this missense variant is not expected to disrupt ALAS2 protein function with a negative predictive value of 95%. In summary, the available evidence is currently insufficient to determine the role of this variant in disease. Therefore, it has been classified as a Variant of Uncertain Significance.